The following is an entry in ClinVar:

NM_002775.5(HTRA1):c.1033_1034dup (p.Leu345fs)

Gene: HTRA1 (HtrA serine peptidase 1; plus strand). Cytogenetic location: 10q26.13.
Variant type: Duplication.
Coding change: c.1033_1034dup on transcript NM_002775.5 (MANE Select); coding-DNA positions 1033 to 1034, 2 bases duplicated (TT; older notation c.1033_1034dupTT).
Protein change: p.Leu345fs; shifts the reading frame from leucine 345.
Molecular consequence: frameshift variant.
Genome position (GRCh38, 1-based): chr10:122,508,683-122,508,684, TT duplicated; duplicating any 2 consecutive bases within chr10:122,508,682-122,508,684 gives the same sequence; the c. name uses the placement nearest the transcript's 3' end. VCF-style (leftmost placement, unchanged base first): chr10-122508681-C-CTT. GRCh37 (hg19) VCF-style: chr10-124268197-C-CTT.
Other names: short protein forms L345fs.
Identifiers: ClinVar variation 4795200 (VCV004795200.1).

ClinVar aggregate classification (germline): Likely pathogenic (1 of 4 stars; one submission).

Conditions:
Cerebral arteriopathy, autosomal dominant, with subcortical infarcts and leukoencephalopathy, type 2 (CADASIL2). Identifiers: MedGen C4225211, MONDO:0014768, OMIM 616779.

Submission:

Laboratorio de Biologia Molecular/Medicina Genomica - IFF/Fiocruz, Instituto Fernandes Figueira, Fundacao Oswaldo Cruz
Classification: Likely pathogenic for Cerebral arteriopathy, autosomal dominant, with subcortical infarcts and leukoencephalopathy, type 2. Last evaluated: 2025-09-02. Review status: criteria provided, single submitter. Criteria: ACMG Guidelines, 2015. Collection method: clinical testing. Allele origin: germline. Affected: yes. Observed: 1 variant allele.
Comment: Variant: c.1033_1034dup (p.Leu345PhefsTer2) in exon 6 of the HTRA1 gene. Protein effect: Frameshift variant predicted to undergo NMD in a gene where LoF is a known mechanism of disease. Population database (gnomAD): Absent. ACMG/AMP criteria applied: PVS1, PM2_Supporting.